The following is an entry in ClinVar:

ClinVar aggregate classification (germline): Uncertain significance (1 of 4 stars; one submission).

Submission:

Ambry Genetics
Classification: Uncertain significance. Last evaluated: 2022-07-25. Review status: criteria provided, single submitter. Criteria: Ambry Variant Classification Scheme 2023. Collection method: clinical testing. Allele origin: germline.
Comment: The p.I988M variant (also known as c.2964A>G), located in coding exon 26 of the KIF1B gene, results from an A to G substitution at nucleotide position 2964. The isoleucine at codon 988 is replaced by methionine, an amino acid with highly similar properties. This amino acid position is conserved. In addition, the in silico prediction for this alteration is inconclusive. Since supporting evidence is limited at this time, the clinical significance of this alteration remains unclear.

NM_001365951.3(KIF1B):c.3102A>G (p.Ile1034Met)

Gene: KIF1B (kinesin family member 1B; plus strand). Cytogenetic location: 1p36.22.
Variant type: single nucleotide variant.
Coding change: c.3102A>G on transcript NM_001365951.3 (MANE Select); coding-DNA position 3102, A replaced by G.
Protein change: p.Ile1034Met; replaces isoleucine 1034 with methionine.
Molecular consequence: missense variant.
Genome position (GRCh38, 1-based): chr1:10,336,715, A>G. VCF-style: chr1-10336715-A-G. GRCh37 (hg19) VCF-style: chr1-10396773-A-G.
Other names: c.3102A>G, p.Ile1034Met (NM_001365952.1); c.2964A>G, p.Ile988Met (NM_015074.3); short protein forms I1034M, I988M.
Identifiers: ClinVar variation 1798194 (VCV001798194.2), dbSNP rs2521715931, ClinGen allele CA338339414.